The following is an entry in ClinVar:

ClinVar aggregate classification (germline): Pathogenic (1 of 4 stars; one submission).

Conditions:
Hereditary breast ovarian cancer syndrome. Also called: Hereditary breast and ovarian cancer; Breast and ovarian cancer; BRCA1- and BRCA2-Associated Hereditary Breast and Ovarian Cancer; Hereditary breast and/or ovarian cancer syndrome; Hereditary breast and ovarian cancer syndrome; Hereditary breast and ovarian cancer syndrome (HBOC). Identifiers: Orphanet 145, MedGen C0677776, MeSH D061325, MONDO:0003582. Disease mechanism: loss of function.

Submission:

Labcorp Genetics (formerly Invitae), Labcorp
Classification: Pathogenic for Hereditary breast ovarian cancer syndrome. Last evaluated: 2021-02-03. Review status: criteria provided, single submitter. Criteria: Invitae Variant Classification Sherloc (09022015). Collection method: clinical testing. Allele origin: germline.
Comment: For these reasons, this variant has been classified as Pathogenic. Loss-of-function variants in BRCA2 are known to be pathogenic (PMID: 20104584). This variant has not been reported in the literature in individuals with BRCA2-related conditions. This variant is not present in population databases (ExAC no frequency). This sequence change creates a premature translational stop signal (p.Ser1331Phefs*3) in the BRCA2 gene. It is expected to result in an absent or disrupted protein product.

Literature cited by the submitters: PubMed 20104584.

NM_000059.4(BRCA2):c.3991dup (p.Ser1331fs)

Gene: BRCA2 (BRCA2 DNA repair associated; plus strand). Cytogenetic location: 13q13.1.
Variant type: Duplication.
Coding change: c.3991dup on transcript NM_000059.4 (MANE Select); coding-DNA position 3991, one base duplicated (T; older notation c.3991dupT).
Protein change: p.Ser1331fs; shifts the reading frame from serine 1331.
Molecular consequence: frameshift variant.
Genome position (GRCh38, 1-based): chr13:32,338,346, T duplicated; the last of 2 consecutive T bases (chr13:32,338,345-32,338,346); duplicating either gives the same sequence. VCF-style (leftmost placement, unchanged base first): chr13-32338344-A-AT. GRCh37 (hg19) VCF-style: chr13-32912481-A-AT.
Other names: short protein forms S1331fs.
Identifiers: ClinVar variation 1076018 (VCV001076018.7), dbSNP rs2137501848, ClinGen allele CA2499222150.